The following is an entry in ClinVar:

NM_001009944.3(PKD1):c.6637C>T (p.Arg2213Trp)

Gene: PKD1 (polycystin 1, transient receptor potential channel interacting; minus strand). Cytogenetic location: 16p13.3.
Variant type: single nucleotide variant.
Coding change: c.6637C>T on transcript NM_001009944.3 (MANE Select); coding-DNA position 6637, C replaced by T.
Protein change: p.Arg2213Trp; replaces arginine 2213 with tryptophan.
Molecular consequence: missense variant.
Genome position (GRCh38, 1-based): chr16:2,108,530, G>A on the plus strand (C>T on the coding strand, the complement: PKD1 is on the minus strand). VCF-style: chr16-2108530-G-A. GRCh37 (hg19) VCF-style: chr16-2158531-G-A.
Other names: c.6637C>T, p.Arg2213Trp (NM_000296.4); short protein forms R2213W.
Identifiers: ClinVar variation 976799 (VCV000976799.7), dbSNP rs757222149, ClinGen allele CA7831528.
Genomic context (GRCh38, chr16:2,108,530, plus strand): 5'-CAAACACAAAGCAGTAGTGCCCCACAGGCAGCGCCAGCCGCGGCAGCACCAGCCGAGGCC[G>A]GCTCACGTCCACGCCGGGCAGGGCCACACGCGCTGGGCGCCCCGGCCGCTGGCAGCTGGC-3'
Protein context (NP_001009944.3, residues 2203-2223): RVALPGVDVS[Arg2213Trp]PRLVLPRLAL

ClinVar aggregate classification (germline): Uncertain significance. Review status: criteria provided, multiple submitters, no conflicts (2 of 4 stars). 6 submissions from 6 submitters: Uncertain significance (6). Last evaluated 2025-10-14.

Conditions:
Autosomal dominant polycystic kidney disease. Identifiers: Orphanet 730, MedGen C0085413, MONDO:0004691.
Polycystic kidney disease, adult type (PKD1). Also called: Polycystic Kidney, Autosomal Dominant; POLYCYSTIC KIDNEY DISEASE, ADULT, TYPE I; POLYCYSTIC KIDNEY DISEASE 1 WITH OR WITHOUT POLYCYSTIC LIVER DISEASE; Polycystic Kidney Disease 1, Autosomal Dominant; Polycystic kidney disease 1; Polycystic kidney disease 1, severe. Identifiers: MedGen C3149841, MONDO:0008263, OMIM 173900.

Allele frequency attached by ClinVar (database versions not stated): ExAC 0.00001; gnomAD 0.00001; gnomAD exomes 0.00001; TOPMed 0.00002.

Submissions (6):

Women's Health and Genetics/Laboratory Corporation of America, LabCorp
Classification: Uncertain significance. Last evaluated: 2025-10-14. Review status: criteria provided, single submitter. Criteria: LabCorp Variant Classification Summary - May 2015. Collection method: clinical testing. Allele origin: germline.
Comment: Variant summary: PKD1 c.6637C>T (p.Arg2213Trp) results in a non-conservative amino acid change in the encoded protein sequence. Algorithms developed to predict the effect of missense changes on protein structure and function all suggest that this variant is likely to be disruptive. The variant allele was found at a frequency of 8.4e-06 in 238454 control chromosomes. The available data on variant occurrences in the general population are insufficient to allow any conclusion about variant significance. c.6637C>T has been observed in a setting of panel analysis for PKD1 variants in Autosomal Dominant Polycystic Kidney Disease (Kimura_2023). These report(s) do not provide unequivocal conclusions about association of the variant with PKD1-Biallelic Autosomal Recessive Polycystic Kidney Disease. To our knowledge, no experimental evidence demonstrating an impact on protein function has been reported. The following publication have been ascertained in the context of this evaluation (PMID: 37509056). ClinVar contains an entry for this variant (Variation ID: 976799). Based on the evidence outlined above, the variant was classified as uncertain significance.

Blueprint Genetics
Classification: Uncertain significance. Last evaluated: 2024-01-29. Review status: criteria provided, single submitter. Criteria: ACMG Guidelines, 2015. Collection method: clinical testing. Allele origin: germline.

GeneDx
Classification: Uncertain significance. Last evaluated: 2022-12-02. Review status: criteria provided, single submitter. Criteria: GeneDx Variant Classification Process June 2021. Collection method: clinical testing. Allele origin: germline. Affected: yes.
Comment: Not observed at significant frequency in large population cohorts (gnomAD); In silico analysis supports that this missense variant has a deleterious effect on protein structure/function; Has not been previously published as pathogenic or benign to our knowledge

Athena Diagnostics
Classification: Uncertain significance. Last evaluated: 2021-05-26. Review status: criteria provided, single submitter. Criteria: Athena Diagnostics criteria. Collection method: clinical testing. Allele origin: unknown.

Molecular Genetics of Inherited Kidney Disorders Laboratory, Garvan Institute of Medical Research
Classification: Uncertain significance for Autosomal dominant polycystic kidney disease. Last evaluated: 2019-01-01. Review status: criteria provided, single submitter. Criteria: ACMG Guidelines, 2015. Collection method: research. Allele origin: germline. Affected: yes.

Juno Genomics, Hangzhou Juno Genomics, Inc
Classification: Uncertain significance for Polycystic kidney disease, adult type. Review status: criteria provided, single submitter. Criteria: ACMG Guidelines, 2015. Collection method: clinical testing. Allele origin: germline.

Literature cited by the submitters: PubMed 37509056 (cited by Women's Health and Genetics/Laboratory Corporation of America, LabCorp).